The following is an entry in ClinVar:

ClinVar aggregate classification (germline): Uncertain significance (1 of 4 stars; one submission).

Conditions:
Familial cold autoinflammatory syndrome 3 (FCAS3). Also called: FAMILIAL ATYPICAL COLD URTICARIA; ANTIBODY DEFICIENCY AND IMMUNE DYSREGULATION, PLCG2-ASSOCIATED. Identifiers: Orphanet 300359, MedGen C3280914, MONDO:0013766, OMIM 614468.

Submission:

Labcorp Genetics (formerly Invitae), Labcorp
Classification: Uncertain significance for Familial cold autoinflammatory syndrome 3. Last evaluated: 2024-11-22. Review status: criteria provided, single submitter. Criteria: Invitae Variant Classification Sherloc (09022015). Collection method: clinical testing. Allele origin: germline.
Comment: This sequence change falls in intron 31 of the PLCG2 gene. It does not directly change the encoded amino acid sequence of the PLCG2 protein. It affects a nucleotide within the consensus splice site. This variant is not present in population databases (gnomAD no frequency). This variant has not been reported in the literature in individuals affected with PLCG2-related conditions. ClinVar contains an entry for this variant (Variation ID: 2991060). Variants that disrupt the consensus splice site are a relatively common cause of aberrant splicing (PMID: 17576681, 9536098). Algorithms developed to predict the effect of sequence changes on RNA splicing suggest that this variant is not likely to affect RNA splicing. In summary, the available evidence is currently insufficient to determine the role of this variant in disease. Therefore, it has been classified as a Variant of Uncertain Significance.

Literature cited by the submitters: PubMed 17576681; PubMed 9536098.

NM_002661.5(PLCG2):c.3571-3C>T

Gene: PLCG2 (phospholipase C gamma 2; plus strand). Cytogenetic location: 16q23.3.
Variant type: single nucleotide variant.
Coding change: c.3571-3C>T on transcript NM_002661.5 (MANE Select); 3 bases into the intron before coding-DNA position 3571, C replaced by T.
Molecular consequence: intron variant.
Genome position (GRCh38, 1-based): chr16:81,956,692, C>T. VCF-style: chr16-81956692-C-T. GRCh37 (hg19) VCF-style: chr16-81990297-C-T.
Identifiers: ClinVar variation 2991060 (VCV002991060.3), dbSNP rs2507821910, ClinGen allele CA2740093443.